The following is an entry in ClinVar:

ClinVar aggregate classification (germline): Uncertain significance (1 of 4 stars; one submission).

Allele frequency attached by ClinVar (database versions not stated): gnomAD exomes 0.00001; ExAC 0.00002.
gnomAD v4.1: 3 of 1,613,186 alleles (0.00019%); highest among the groups gnomAD compares: Admixed American, 0.0033%; no homozygotes.

Submission:

Labcorp Genetics (formerly Invitae), Labcorp
Classification: Uncertain significance. Last evaluated: 2022-02-02. Review status: criteria provided, single submitter. Criteria: Invitae Variant Classification Sherloc (09022015). Collection method: clinical testing. Allele origin: germline.
Comment: In summary, the available evidence is currently insufficient to determine the role of this variant in disease. Therefore, it has been classified as a Variant of Uncertain Significance. Algorithms developed to predict the effect of missense changes on protein structure and function output the following: SIFT: "Tolerated"; PolyPhen-2: "Not Available"; Align-GVGD: "Class C0". The lysine amino acid residue is found in multiple mammalian species, which suggests that this missense change does not adversely affect protein function. This variant has not been reported in the literature in individuals affected with PCLO-related conditions. This variant is present in population databases (rs781336232, gnomAD 0.006%). This sequence change replaces glutamic acid, which is acidic and polar, with lysine, which is basic and polar, at codon 1457 of the PCLO protein (p.Glu1457Lys).

NM_033026.6(PCLO):c.4369G>A (p.Glu1457Lys)

Gene: PCLO (piccolo presynaptic cytomatrix protein; minus strand). Cytogenetic location: 7q21.11.
Variant type: single nucleotide variant.
Coding change: c.4369G>A on transcript NM_033026.6 (MANE Select); coding-DNA position 4369, G replaced by A.
Protein change: p.Glu1457Lys; replaces glutamic acid 1457 with lysine.
Molecular consequence: missense variant.
Genome position (GRCh38, 1-based): chr7:82,956,584, C>T on the plus strand (G>A on the coding strand, the complement: PCLO is on the minus strand). VCF-style: chr7-82956584-C-T. GRCh37 (hg19) VCF-style: chr7-82585900-C-T.
Other names: c.4369G>A, p.Glu1457Lys (NM_014510.3); short protein forms E1457K.
Identifiers: ClinVar variation 1465193 (VCV001465193.8), dbSNP rs781336232, ClinGen allele CA4320839.
Genomic context (GRCh38, chr7:82,956,584, plus strand): 5'-CTTTCCTTTCTTCTTGACTCTCTTTGATCTCCTCTTCTGAAATAGTAATTTCCAAGGTTT[C>T]AGATAAACTCTGAGTTTTCTCTTGGTCTTTAGGCTGTTCAGGAGAAACTTCATGGGGTTG-3'
Protein context (NP_149015.2, residues 1447-1467): KDQEKTQSLS[Glu1457Lys]TLEITISEEE